The following is an entry in ClinVar:

ClinVar aggregate classification (germline): Uncertain significance (1 of 4 stars; one submission).

gnomAD v4.1: 3 of 1,580,192 alleles (0.00019%); highest among the groups gnomAD compares: Non-Finnish European, 0.00026%; no homozygotes.

Submission:

GeneDx
Classification: Uncertain significance. Last evaluated: 2024-04-05. Review status: criteria provided, single submitter. Criteria: GeneDx Variant Classification Process June 2021. Collection method: clinical testing. Allele origin: germline. Affected: yes.
Comment: Not observed at significant frequency in large population cohorts (gnomAD); In silico analysis indicates that this missense variant does not alter protein structure/function; Has not been previously published as pathogenic or benign to our knowledge

NM_001039111.3(TRIM71):c.617A>G (p.Asn206Ser)

Gene: TRIM71 (tripartite motif containing 71; plus strand). Cytogenetic location: 3p22.3.
Variant type: single nucleotide variant.
Coding change: c.617A>G on transcript NM_001039111.3 (MANE Select); coding-DNA position 617, A replaced by G.
Protein change: p.Asn206Ser; replaces asparagine 206 with serine.
Molecular consequence: missense variant.
Genome position (GRCh38, 1-based): chr3:32,818,697, A>G. VCF-style: chr3-32818697-A-G. GRCh37 (hg19) VCF-style: chr3-32860189-A-G.
Other names: short protein forms N206S.
Identifiers: ClinVar variation 3372147 (VCV003372147.1).